The following is an entry in ClinVar:

ClinVar aggregate classification (germline): Pathogenic (1 of 4 stars; one submission).

Conditions:
Amyloidosis, primary localized cutaneous, 3. Also called: AMYLOIDOSIS CUTIS DYSCHROMICA. Identifiers: MedGen C4554421, MONDO:0054765, OMIM 617920.

gnomAD v4.1: 11 of 1,614,194 alleles (0.00068%); highest among the groups gnomAD compares: East Asian, 0.022%; no homozygotes.

Submission:

Juno Genomics, Hangzhou Juno Genomics, Inc
Classification: Pathogenic for Amyloidosis, primary localized cutaneous, 3. Review status: criteria provided, single submitter. Criteria: ACMG Guidelines, 2015. Collection method: clinical testing. Allele origin: germline. Affected: yes.
Comment: Absent from controls (or at extremely low frequency if recessive) in Genome Aggregation Database, Exome Sequencing Project, 1000 Genomes Project, or Exome Aggregation Consortium.;Null variant in a gene where loss of function (LOF) is a known mechanism of disease.;For recessive disorders, detected in trans with a pathogenic variant.

NM_002510.3(GPNMB):c.393T>G (p.Tyr131Ter)

Gene: GPNMB (glycoprotein nmb; plus strand). Cytogenetic location: 7p15.3.
Variant type: single nucleotide variant.
Coding change: c.393T>G on transcript NM_002510.3 (MANE Select); coding-DNA position 393, T replaced by G.
Protein change: p.Tyr131Ter; replaces tyrosine 131 with a stop codon.
Molecular consequence: nonsense.
Genome position (GRCh38, 1-based): chr7:23,256,917, T>G. VCF-style: chr7-23256917-T-G. GRCh37 (hg19) VCF-style: chr7-23296536-T-G.
Other names: c.393T>G, p.Tyr131Ter (NM_001005340.2); short protein forms Y131*.
Identifiers: ClinVar variation 3382241 (VCV003382241.2).